The following is an entry in ClinVar:

ClinVar aggregate classification (germline): Pathogenic (1 of 4 stars; one submission).

Conditions:
Radio-Tartaglia syndrome. Identifiers: Orphanet 662234, MedGen C5543339, MONDO:0859143, OMIM 619312.

Submission:

Institute of Human Genetics, University of Leipzig Medical Center
Classification: Pathogenic for Radio-Tartaglia syndrome. Last evaluated: 2024-06-24. Review status: criteria provided, single submitter. Criteria: ACMG Guidelines, 2015. Collection method: clinical testing. Allele origin: de novo. Inheritance: Autosomal dominant inheritance. Affected: yes.
Comment: Criteria applied: PVS1,PM2, PS2_SUP

NM_015001.3(SPEN):c.3682_3686del (p.Lys1228fs)

Gene: SPEN (spen family transcriptional repressor; plus strand). Cytogenetic location: 1p36.13.
Variant type: Microsatellite.
Coding change: c.3682_3686del on transcript NM_015001.3 (MANE Select); coding-DNA positions 3682 to 3686, 5 bases deleted (AAAAG; older notation c.3682_3686delAAAAG).
Protein change: p.Lys1228fs; shifts the reading frame from lysine 1228.
Molecular consequence: frameshift variant.
Genome position (GRCh38, 1-based): chr1:15,929,922-15,929,926, AAAAG deleted; deleting any 5 consecutive bases within chr1:15,929,917-15,929,926 gives the same sequence; the c. name uses the placement nearest the transcript's 3' end. VCF-style (leftmost placement, unchanged base first): chr1-15929916-AAAAAG-A. GRCh37 (hg19) VCF-style: chr1-16256411-AAAAAG-A.
Other names: short protein forms K1228fs.
Identifiers: ClinVar variation 3358998 (VCV003358998.2).
Genomic context (GRCh38, chr1:15,929,916, plus strand): 5'-AGCCTCGTTCACGAGGTAGGCAAACCCCCTCAAGATGTCACTGATGACTCTCCTCCTAGC[AAAAAG>A]AAAAGGATGGATCATGTCGATTTTGATATCTGCACCAAGCGAGAACGGAATTACAGAAGT-3'